The following is an entry in ClinVar:

NM_138295.5(PKD1L1):c.6777G>A (p.Ala2259=)

Gene: PKD1L1 (polycystin 1 like 1, transient receptor potential channel interacting; minus strand). Cytogenetic location: 7p12.3.
Variant type: single nucleotide variant.
Coding change: c.6777G>A on transcript NM_138295.5 (MANE Select); coding-DNA position 6777, G replaced by A.
Protein change: p.Ala2259=; no amino-acid change (alanine 2259 retained).
Molecular consequence: synonymous variant.
Genome position (GRCh38, 1-based): chr7:47,827,427, C>T on the plus strand (G>A on the coding strand, the complement: PKD1L1 is on the minus strand). VCF-style: chr7-47827427-C-T. GRCh37 (hg19) VCF-style: chr7-47867025-C-T.
Other names: c.6777G>A (NM_138295.3).
Identifiers: ClinVar variation 2901250 (VCV002901250.6), dbSNP rs147293358, ClinGen allele CA4252326.

ClinVar aggregate classification (germline): Likely benign. Review status: criteria provided, multiple submitters, no conflicts (2 of 4 stars). 3 submissions from 3 submitters: Likely benign (2). 1 of the submissions does not count toward it. Last evaluated 2026-01-12.

Conditions:
PKD1L1-related disorder. Also called: PKD1L1-related condition.

Allele frequency attached by ClinVar (database versions not stated): ESP Exome Variant Server 0.00031; 1000 Genomes Project 0.00060; 1000 Genomes Project 30x 0.00078.
gnomAD v4.1: 170 of 1,612,682 alleles (0.011%); highest among the groups gnomAD compares: East Asian, 0.078%; 2 homozygotes.

Submissions (3):

Labcorp Genetics (formerly Invitae), Labcorp
Classification: Likely benign. Last evaluated: 2026-01-12. Review status: criteria provided, single submitter. Criteria: Invitae Variant Classification Sherloc (09022015). Collection method: clinical testing. Allele origin: germline.

Blueprint Genetics
Classification: Likely benign. Last evaluated: 2022-05-27. Review status: criteria provided, single submitter. Criteria: ACMG Guidelines, 2015. Collection method: clinical testing. Allele origin: germline.

PreventionGenetics, part of Exact Sciences
Classification: Likely benign for PKD1L1-related condition. Last evaluated: 2022-04-12. Review status: no assertion criteria provided. Collection method: clinical testing. Allele origin: germline. Not counted in ClinVar's aggregate classification.
Comment: This variant is classified as likely benign based on ACMG/AMP sequence variant interpretation guidelines (Richards et al. 2015 PMID: 25741868, with internal and published modifications).